The following is an entry in ClinVar:

NM_003482.4(KMT2D):c.2109G>C (p.Glu703Asp)

Gene: KMT2D (lysine methyltransferase 2D; minus strand). Cytogenetic location: 12q13.12.
Variant type: single nucleotide variant.
Coding change: c.2109G>C on transcript NM_003482.4 (MANE Select); coding-DNA position 2109, G replaced by C.
Protein change: p.Glu703Asp; replaces glutamic acid 703 with aspartic acid.
Molecular consequence: missense variant.
Genome position (GRCh38, 1-based): chr12:49,051,574, C>G on the plus strand (G>C on the coding strand, the complement: KMT2D is on the minus strand). VCF-style: chr12-49051574-C-G. GRCh37 (hg19) VCF-style: chr12-49445357-C-G.
Other names: short protein forms E703D.
Identifiers: ClinVar variation 3370070 (VCV003370070.1).

ClinVar aggregate classification (germline): Uncertain significance (1 of 4 stars; one submission).

Submission:

GeneDx
Classification: Uncertain significance. Last evaluated: 2023-12-19. Review status: criteria provided, single submitter. Criteria: GeneDx Variant Classification Process June 2021. Collection method: clinical testing. Allele origin: germline. Affected: yes.
Comment: Not observed at significant frequency in large population cohorts (gnomAD); In silico analysis supports that this missense variant does not alter protein structure/function; Has not been previously published as pathogenic or benign to our knowledge